The following is an entry in ClinVar:

ClinVar aggregate classification (germline): Benign/Likely benign. Review status: criteria provided, multiple submitters, no conflicts (2 of 4 stars). 4 submissions from 4 submitters: Benign (1); Likely benign (3). Last evaluated 2024-03-04.

Conditions:
Familial adenomatous polyposis 1 (FAP1). Also called: POLYPOSIS, ADENOMATOUS INTESTINAL; FAMILIAL ADENOMATOUS POLYPOSIS 1, ATTENUATED. Identifiers: MedGen C2713442, MONDO:0021056, OMIM 175100. Disease mechanism: loss of function.
Hereditary cancer-predisposing syndrome. Also called: Tumor predisposition; Hereditary neoplastic syndrome; Neoplastic Syndromes, Hereditary; Hereditary Cancer Syndrome. Identifiers: Orphanet 140162, MedGen C0027672, MeSH D009386, MONDO:0015356.

Allele frequency attached by ClinVar (database versions not stated): gnomAD exomes below 0.00001.
gnomAD v4.1: 1 of 1,613,898 alleles (0.000062%); highest among the groups gnomAD compares: Non-Finnish European, 0.000085%; no homozygotes.

Submissions (4):

Myriad Genetics, Inc.
Classification: Benign for Familial adenomatous polyposis 1. Last evaluated: 2024-03-04. Review status: criteria provided, single submitter. Criteria: Myriad Autosomal Dominant, Autosomal Recessive and X-Linked Classification Criteria (2023). Collection method: clinical testing. Allele origin: unknown.
Comment: This variant is considered benign. This variant is a silent/synonymous amino acid change and it is not expected to impact splicing.

Labcorp Genetics (formerly Invitae), Labcorp
Classification: Likely benign for Familial adenomatous polyposis 1. Last evaluated: 2023-02-01. Review status: criteria provided, single submitter. Criteria: Invitae Variant Classification Sherloc (09022015). Collection method: clinical testing. Allele origin: germline.

Ambry Genetics
Classification: Likely benign for Hereditary cancer-predisposing syndrome. Last evaluated: 2017-12-19. Review status: criteria provided, single submitter. Criteria: Ambry Variant Classification Scheme 2023. Collection method: clinical testing. Allele origin: germline.

GeneDx
Classification: Likely benign. Last evaluated: 2017-09-18. Review status: criteria provided, single submitter. Criteria: GeneDx Variant Classification (06012015). Collection method: clinical testing. Allele origin: germline. Affected: yes.
Comment: This variant is considered likely benign or benign based on one or more of the following criteria: it is a conservative change, it occurs at a poorly conserved position in the protein, it is predicted to be benign by multiple in silico algorithms, and/or has population frequency not consistent with disease.

NM_000038.6(APC):c.1530T>C (p.Phe510=)

Gene: APC (APC regulator of Wnt signaling pathway; plus strand). Cytogenetic location: 5q22.2.
Variant type: single nucleotide variant.
Coding change: c.1530T>C on transcript NM_000038.6 (MANE Select); coding-DNA position 1530, T replaced by C.
Protein change: p.Phe510=; no amino-acid change (phenylalanine 510 retained).
Molecular consequence: synonymous variant.
Genome position (GRCh38, 1-based): chr5:112,827,229, T>C. VCF-style: chr5-112827229-T-C. GRCh37 (hg19) VCF-style: chr5-112162926-T-C.
Other names: c.1530T>C, p.Phe510= (NM_001127510.3, NM_001354895.2); c.1476T>C, p.Phe492= (NM_001127511.3); c.1584T>C, p.Phe528= (NM_001354896.2); c.1560T>C, p.Phe520= (NM_001354897.2); c.1455T>C, p.Phe485= (NM_001354898.2); c.1446T>C, p.Phe482= (NM_001354899.2); c.1407T>C, p.Phe469= (NM_001354900.2); c.1353T>C, p.Phe451= (NM_001354901.2); and 5 more.
Identifiers: ClinVar variation 517099 (VCV000517099.8), dbSNP rs1554081754, ClinGen allele CA445756144.